The following is an entry in ClinVar:

ClinVar aggregate classification (germline): Pathogenic/Likely pathogenic. Review status: criteria provided, multiple submitters, no conflicts (2 of 4 stars). 5 submissions from 5 submitters: Pathogenic (4); Likely pathogenic (1). Last evaluated 2026-01-15.

Conditions:
Developmental delay, dysmorphic facies, and brain anomalies. Identifiers: MedGen C5882698, MONDO:0957810, OMIM 620535.
U2AF2-related neurodevelopmental disorder.

Submissions (5):

Labcorp Genetics (formerly Invitae), Labcorp
Classification: Pathogenic. Last evaluated: 2026-01-15. Review status: criteria provided, single submitter. Criteria: Invitae Variant Classification Sherloc (09022015). Collection method: clinical testing. Allele origin: germline.
Comment: This sequence change replaces arginine, which is basic and polar, with cysteine, which is neutral and slightly polar, at codon 150 of the U2AF2 protein (p.Arg150Cys). This variant is not present in population databases (gnomAD no frequency). This missense change has been observed in individual(s) with a neurodevelopmental condition (PMID: 33057194, 35982159, 37962958; internal data). In at least one individual the variant was observed to be de novo. ClinVar contains an entry for this variant (Variation ID: 1495164). An algorithm developed to predict the effect of missense changes on protein structure and function (PolyPhen-2) suggests that this variant is likely to be disruptive. For these reasons, this variant has been classified as Pathogenic.

CeGaT Center for Human Genetics Tuebingen
Classification: Pathogenic. Last evaluated: 2025-09-01. Review status: criteria provided, single submitter. Criteria: CeGaT Center For Human Genetics Tuebingen Variant Classification Criteria Version 2. Collection method: clinical testing. Allele origin: germline. Affected: yes. Observed: 2 variant alleles.
Comment: U2AF2: PS2:Very Strong, PS4, PM2, PM5, PP2

Rady Children's Institute for Genomic Medicine, Rady Children's Hospital San Diego
Classification: Pathogenic for U2AF2-related neurodevelopmental disorder. Last evaluated: 2025-08-25. Review status: criteria provided, single submitter. Criteria: ACMG Guidelines, 2015. Collection method: clinical testing. Allele origin: germline. Affected: yes.
Comment: The U2AF2 gene is constrained against variation (Z-score= 6.42 and pLI = 1), and missense variants are a common mechanism of disease (HGMD, ClinVar database; PMID: 37962958). This variant has been previously reported as a recurrent de novo change in multiple patients with U2AF2-related neurodevelopmental disorder (PMID: 37962958). The c.448C>T (p.Arg150Cys) variant is located near a critical RNA recognition motif, which is a known hotspot domain for pathogenic variations in U2AF2 (PMID: 37962958). A different amino acid change at the same residue (p.Arg150His) has been previously reported in individuals with U2AF2-related neurodevelopmental disorder (PMID: 37962958). The c.448C>T (p.Arg150Cys) variant affects a highly conserved amino acid; however, in silico tools used to predict the effect of this variant on protein function yield discordant results. In vitro functional studies demonstrated that the c.448C>T (p.Arg150Cys) variant resulted in aberrant splicing and reduced neuritogenesis in human pluripotent stem cells (PMID: 37962958). In vivo functional studies demonstrated that the c.448C>T (p.Arg150Cys) variant exhibits a partial loss-of-function effect given incomplete rescue of morphological defects in U2af50-deficient fly brains (PMID: 37962958). The c.448C>T (p.Arg150Cys) variant is absent from the latest version of the gnomAD population database and thus is presumed to be rare. Based on parental analysis, this variant likely occurred as a de novo event. Based on the available evidence, c.448C>T (p.Arg150Cys) is classified as Pathogenic.

Victorian Clinical Genetics Services, Murdoch Childrens Research Institute
Classification: Pathogenic for Developmental delay, dysmorphic facies, and brain anomalies. Last evaluated: 2024-10-09. Review status: criteria provided, single submitter. Criteria: ACMG Guidelines, 2015. Collection method: clinical testing. Allele origin: germline. Inheritance: Autosomal dominant inheritance. Affected: yes.
Comment: Based on the classification scheme VCGS_Germline_v1.3.5, this variant is classified as Pathogenic. Following criteria are met: 0105 - The mechanism of disease for this gene is not clearly established. Functional analysis on known pathogenic variants suggest a partial loss of function effect (PMID: 37962958). (I) 0107 - This gene is associated with autosomal dominant disease. (I) 0200 - Variant is predicted to result in a missense amino acid change from arginine to cysteine. (I) 0251 - This variant is heterozygous. (I) 0301 - Variant is absent from gnomAD (v2, v3 and v4). (SP) 0501 - Missense variant consistently predicted to be damaging by multiple in silico tools or highly conserved with a major amino acid change. (SP) 0602 - Variant is located in a hotspot region or cluster of pathogenic variants. Recurrent pathogenic missense variants cluster around the start of the first RNA recognition motif (DECIPHER, PMID: 37962958). (SP) 0801 - This variant has strong previous evidence of pathogenicity in unrelated individuals. This variant has been reported as de novo in seven individuals with neurodevelopmental disorder and has been reported once as likely pathogenic in ClinVar (PMID: 37962958, DECIPHER). (SP) Legend: (SP) - Supporting pathogenic, (I) - Information, (SB) - Supporting benign

3billion
Classification: Likely pathogenic for Developmental delay, dysmorphic facies, and brain anomalies. Last evaluated: 2023-11-21. Review status: criteria provided, single submitter. Criteria: ACMG Guidelines, 2015. Collection method: clinical testing. Allele origin: germline. Affected: yes.
Comment: The variant is not observed in the gnomAD v2.1.1 dataset. Predicted Consequence/Location: The variant is located in a mutational hot spot and/or well-established functional domain in which established pathogenic variants have been reported. Missense changes are a common disease-causing mechanism. In silico tool predictions suggest damaging effect of the variant on gene or gene product [3Cnet: 0.88 (>=0.6, sensitivity 0.72 and precision 0.9)]. Same nucleotide change resulting in same amino acid change has been previously reported to be associated with U2AF2-related disorder (ClinVar ID: VCV001495164). A different missense change at the same codon (p.Arg150His) has been reported to be associated with U2AF2-related disorder (ClinVar ID: VCV002523117). Therefore, this variant is classified as Likely pathogenic according to the recommendation of ACMG/AMP guideline.

Literature cited by the submitters: PubMed 33057194 (cited by Labcorp Genetics (formerly Invitae), Labcorp); PubMed 35982159 (cited by Labcorp Genetics (formerly Invitae), Labcorp); PubMed 37962958 (cited by 3 submitters).

NM_007279.3(U2AF2):c.448C>T (p.Arg150Cys)

Gene: U2AF2 (U2 small nuclear RNA auxiliary factor 2; plus strand). Cytogenetic location: 19q13.42.
Variant type: single nucleotide variant.
Coding change: c.448C>T on transcript NM_007279.3 (MANE Select); coding-DNA position 448, C replaced by T.
Protein change: p.Arg150Cys; replaces arginine 150 with cysteine.
Molecular consequence: missense variant.
Genome position (GRCh38, 1-based): chr19:55,661,151, C>T. VCF-style: chr19-55661151-C-T. GRCh37 (hg19) VCF-style: chr19-56172517-C-T.
Other names: c.448C>T, p.Arg150Cys (NM_001012478.2); c.448C>T (NM_007279.2); short protein forms R150C.
Identifiers: ClinVar variation 1495164 (VCV001495164.19), dbSNP rs2123678139, ClinGen allele CA407561986.